The following is an entry in ClinVar:

ClinVar aggregate classification (germline): Uncertain significance (1 of 4 stars; one submission).

Conditions:
Dyskeratosis congenita, autosomal dominant 3. Identifiers: MedGen C3151445, MONDO:0013522, OMIM 613990.

gnomAD v4.1: 68 of 1,614,040 alleles (0.0042%); highest among the groups gnomAD compares: Admixed American, 0.0067%; no homozygotes.

Submission:

Dasa
Classification: Uncertain significance for dyskeratosis congenita, autosomal dominant 3. Last evaluated: 2026-02-22. Review status: criteria provided, single submitter. Criteria: DASA Assertion Criteria. Collection method: clinical testing. Allele origin: germline.
Comment: NM_012461.3(TINF2):c.*389G>A is a sequence variant. This variant is rare in population databases. Computational prediction algorithms are consistent with a deleterious effect. The currently available literature and clinical evidence are not sufficient to establish a definitive association between this variant and the reported condition. Therefore, this variant is classified as a variant of uncertain significance.

NM_001099274.3(TINF2):c.1221+38G>A

Gene: TINF2 (TERF1 interacting nuclear factor 2; minus strand). Cytogenetic location: 14q12.
Variant type: single nucleotide variant.
Coding change: c.1221+38G>A on transcript NM_001099274.3 (MANE Select); 38 bases into the intron after coding-DNA position 1221, G replaced by A.
Molecular consequence: intron variant. On other transcripts: 3 prime UTR variant (1).
Genome position (GRCh38, 1-based): chr14:24,240,026, C>T on the plus strand (G>A on the coding strand, the complement: TINF2 is on the minus strand). VCF-style: chr14-24240026-C-T. GRCh37 (hg19) VCF-style: chr14-24709232-C-T.
Other names: c.*389G>A (NM_012461.3); c.1116+38G>A (NM_001363668.2).
Identifiers: ClinVar variation 4882962 (VCV004882962.2).